The following is an entry in ClinVar:

NM_020638.3(FGF23):c.536G>A (p.Arg179Gln)

Gene: FGF23 (fibroblast growth factor 23; minus strand). Cytogenetic location: 12p13.32.
Variant type: single nucleotide variant.
Coding change: c.536G>A on transcript NM_020638.3 (MANE Select); coding-DNA position 536, G replaced by A.
Protein change: p.Arg179Gln; replaces arginine 179 with glutamine.
Molecular consequence: missense variant.
Genome position (GRCh38, 1-based): chr12:4,370,563, C>T on the plus strand (G>A on the coding strand, the complement: FGF23 is on the minus strand). VCF-style: chr12-4370563-C-T. GRCh37 (hg19) VCF-style: chr12-4479729-C-T.
Other names: short protein forms R179Q.
Identifiers: ClinVar variation 36135 (VCV000036135.19), dbSNP rs193922702, ClinGen allele CA213694.

ClinVar aggregate classification (germline): Pathogenic. Review status: criteria provided, multiple submitters, no conflicts (2 of 4 stars). 8 submissions from 8 submitters: Pathogenic (8). Last evaluated 2025-06-22.

Conditions:
FGF23-related disorder. Also called: FGF23-related condition.
Tumoral calcinosis, hyperphosphatemic, familial, 2. Identifiers: MedGen C4693863, MONDO:0060714, OMIM 617993.
Autosomal dominant hypophosphatemic rickets (ADHR). Also called: HYPOPHOSPHATEMIA, AUTOSOMAL DOMINANT; VITAMIN D-RESISTANT RICKETS, AUTOSOMAL DOMINANT. Identifiers: Orphanet 89937, MedGen C0342642, MONDO:0008660, OMIM 193100.
Hypophosphatemic rickets. Identifiers: MedGen C1704375, MeSH D063730, MONDO:0024300, HP:0004912.
Short stature. Identifiers: MedGen C0349588, HP:0004322.

Allele frequency attached by ClinVar (database versions not stated): gnomAD exomes below 0.00001; ExAC 0.00001.

Submissions (8):

Labcorp Genetics (formerly Invitae), Labcorp
Classification: Pathogenic. Last evaluated: 2025-06-22. Review status: criteria provided, single submitter. Criteria: Invitae Variant Classification Sherloc (09022015). Collection method: clinical testing. Allele origin: germline.
Comment: This sequence change replaces arginine, which is basic and polar, with glutamine, which is neutral and polar, at codon 179 of the FGF23 protein (p.Arg179Gln). This variant is present in population databases (rs193922702, gnomAD 0.0009%). This missense change has been observed in individuals with autosomal dominant hypophosphatemic rickets (PMID: 11062477, 21880793, 26186302). It has also been observed to segregate with disease in related individuals. ClinVar contains an entry for this variant (Variation ID: 36135). Invitae Evidence Modeling of protein sequence and biophysical properties (such as structural, functional, and spatial information, amino acid conservation, physicochemical variation, residue mobility, and thermodynamic stability) has been performed for this missense variant. However, the output from this modeling did not meet the statistical confidence thresholds required to predict the impact of this variant on FGF23 protein function. Experimental studies have shown that this missense change affects FGF23 function (PMID: 11409890, 12130585, 12851820). For these reasons, this variant has been classified as Pathogenic.

Clinical Genetics Laboratory, Skane University Hospital Lund
Classification: Pathogenic for Short stature. Last evaluated: 2025-01-09. Review status: criteria provided, single submitter. Criteria: ACMG Guidelines, 2015. Collection method: clinical testing. Allele origin: germline. Affected: yes.
Comment: Observed in a heterozygous state, at our lab. ACMG criteria used: PS2 (de novo in another patient published by Marik et al., 2022, PMID: 35738466), PS3_Supporting (PMID: 21880793), PS4, PM2, PP1 (PMID: 11062477)

Blueprint Genetics
Classification: Pathogenic for FGF23-related disorders. Last evaluated: 2022-06-01. Review status: criteria provided, single submitter. Criteria: ACMG Guidelines, 2015. Collection method: clinical testing. Allele origin: germline. Affected: yes. Observed: 2 variant alleles.

Fulgent Genetics
Classification: Pathogenic for Autosomal dominant hypophosphatemic rickets; Tumoral calcinosis, hyperphosphatemic, familial, 2. Last evaluated: 2022-03-24. Review status: criteria provided, single submitter. Criteria: ACMG Guidelines, 2015. Collection method: clinical testing. Allele origin: unknown.

Laboratory of Cyto-molecular Genetics, Department of Anatomy, All India Institute of Medical Sciences (AIIMS), New Delhi
Classification: Pathogenic for Hypophosphatemic rickets. Last evaluated: 2022-03-07. Review status: criteria provided, single submitter. Criteria: ACMG Guidelines, 2015. Collection method: clinical testing. Allele origin: de novo. Affected: yes. Observed: 1 variant allele.
Comment: p.(Arg179Gln), missense variant

Institute of Human Genetics Munich, TUM University Hospital
Classification: Pathogenic for Autosomal dominant hypophosphatemic rickets. Last evaluated: 2013-12-05. Review status: criteria provided, single submitter. Criteria: Classification criteria August 2017. Collection method: clinical testing. Allele origin: germline, paternal. Inheritance: Autosomal dominant inheritance. Affected: yes. Observed: 5 heterozygotes.

Women's Health and Genetics/Laboratory Corporation of America, LabCorp
Classification: Pathogenic for Autosomal Dominant Hypophosphatemic Rickets. Last evaluated: 2011-08-18. Review status: criteria provided, single submitter. Criteria: LabCorp Variant Classification Summary - May 2015. Collection method: curation, clinical testing. Allele origin: germline. Inheritance: autosomal dominant. Affected: yes. Observed: 5 variant alleles.
ClinVar note: Converted during submission from pathogenic to Pathogenic.

Lifecell International Pvt. Ltd
Classification: Pathogenic for Autosomal dominant hypophosphatemic rickets. Review status: criteria provided, single submitter. Criteria: ACMG Guidelines, 2015. Collection method: clinical testing. Allele origin: germline. Inheritance: Autosomal dominant inheritance. Affected: yes. Observed: 1 heterozygote.
Comment: A Heterozygous Missense variant c.536G>A in Exon 3 of the FGF23 gene that results in the amino acid substitution p.Arg179Gln was identified. The observed variant is novel in gnomAD exomes and genomes, respectively. The severity of the impact of this variant on the protein is medium, based on the effect of the protein and REVEL score. Rare Exome Variant Ensemble Learner (REVEL) is an ensembl method for predicting the pathogenicity of missense variants based on a combination of scores from 13 individual tools: MutPred, FATHMM v2.3, VEST 3.0, PolyPhen-2, SIFT, PROVEAN, MutationAssessor, MutationTaster, LRT, GERP++, SiPhy, phyloP, and phastCons. The REVEL score for an individual missense variant can range from 0 to 1, with higher scores reflecting greater likelihood that the variant is disease-causing. ClinVar has also classified this variant as Pathogenic [Variation ID: 36135]. The observed variation has previously been reported in autosomal dominant hypophosphatemic rickets patients (ADHR Consortium, 2000). Experimental studies have shown that the observed mutation significantly decrease plasma Pi and renal Na/Pi cotransport activity and also the level of type-IIc Na/Pi cotransporter protein in brush-border membrane vesicles (BBMVs) in Kidney (Segawa H, et.al., 2003). For these reasons, this variant has been classified as Pathogenic.

Literature cited by the submitters: PubMed 11062477 (cited by 3 submitters); PubMed 21880793 (cited by Labcorp Genetics (formerly Invitae), Labcorp); PubMed 26186302 (cited by Labcorp Genetics (formerly Invitae), Labcorp); PubMed 11409890 (cited by Labcorp Genetics (formerly Invitae), Labcorp and Women's Health and Genetics/Laboratory Corporation of America, LabCorp); PubMed 12130585 (cited by Labcorp Genetics (formerly Invitae), Labcorp and Women's Health and Genetics/Laboratory Corporation of America, LabCorp); PubMed 12851820 (cited by Labcorp Genetics (formerly Invitae), Labcorp and Lifecell International Pvt. Ltd); PubMed 35738466 (cited by Laboratory of Cyto-molecular Genetics, Department of Anatomy, All India Institute of Medical Sciences (AIIMS), New Delhi); PubMed 15836777 (cited by Women's Health and Genetics/Laboratory Corporation of America, LabCorp); PubMed 17452648 (cited by Women's Health and Genetics/Laboratory Corporation of America, LabCorp); PubMed 15182416 (cited by Women's Health and Genetics/Laboratory Corporation of America, LabCorp); PubMed 12874285 (cited by Women's Health and Genetics/Laboratory Corporation of America, LabCorp); PubMed 16436388 (cited by Women's Health and Genetics/Laboratory Corporation of America, LabCorp); PubMed 17623664 (cited by Women's Health and Genetics/Laboratory Corporation of America, LabCorp); PubMed 12711740 (cited by Women's Health and Genetics/Laboratory Corporation of America, LabCorp); PubMed 12050201 (cited by Women's Health and Genetics/Laboratory Corporation of America, LabCorp); PubMed 15590700 (cited by Women's Health and Genetics/Laboratory Corporation of America, LabCorp); PubMed 15628294 (cited by Women's Health and Genetics/Laboratory Corporation of America, LabCorp); PubMed 11737582 (cited by Women's Health and Genetics/Laboratory Corporation of America, LabCorp); PubMed 11805436 (cited by Women's Health and Genetics/Laboratory Corporation of America, LabCorp); PubMed 18682534 (cited by Women's Health and Genetics/Laboratory Corporation of America, LabCorp); PubMed 15885032 (cited by Women's Health and Genetics/Laboratory Corporation of America, LabCorp); PubMed 17227222 (cited by Women's Health and Genetics/Laboratory Corporation of America, LabCorp); PubMed 17992255 (cited by Women's Health and Genetics/Laboratory Corporation of America, LabCorp).